The following is an entry in ClinVar:

ClinVar aggregate classification (germline): Pathogenic. Review status: criteria provided, multiple submitters, no conflicts (2 of 4 stars). 4 submissions from 4 submitters: Pathogenic (4). Last evaluated 2025-06-18.

Conditions:
Recessive dystrophic epidermolysis bullosa (RDEB). Also called: DYSTROPHIC EPIDERMOLYSIS BULLOSA, AUTOSOMAL RECESSIVE; EPIDERMOLYSIS BULLOSA DYSTROPHICA, HALLOPEAU-SIEMENS TYPE; epidermolysis bullosa dystrophica, autosomal recessive; severe generalized recessive dystrophic epidermolysis bullosa; Recessive DEB (RDEB); EPIDERMOLYSIS BULLOSA DYSTROPHICA, GENERALIZED SEVERE, AUTOSOMAL RECESSIVE. Identifiers: Orphanet 79408, Orphanet 79409, MedGen C0079474, MONDO:0009179, OMIM 226600.

Allele frequency attached by ClinVar (database versions not stated): ExAC 0.00002; gnomAD exomes 0.00001; TOPMed 0.00001.
gnomAD v4.1: 16 of 1,614,014 alleles (0.00099%); highest among the groups gnomAD compares: Non-Finnish European, 0.0013%; no homozygotes.

Submissions (4):

Women's Health and Genetics/Laboratory Corporation of America, LabCorp
Classification: Pathogenic for Dystrophic Epidermolysis Bullosa, Recessive. Last evaluated: 2025-06-18. Review status: criteria provided, single submitter. Criteria: LabCorp Variant Classification Summary - May 2015. Collection method: clinical testing. Allele origin: germline.
Comment: Variant summary: COL7A1 c.5869C>T (p.Arg1957Trp) results in a non-conservative amino acid change in the encoded protein sequence. Algorithms developed to predict the effect of missense changes on protein structure and function are either unavailable or do not agree on the potential impact of this missense change. The variant allele was found at a frequency of 8e-06 in 251142 control chromosomes. c.5869C>T has been reported in the literature in compound heterozygous individuals affected with Dystrophic Epidermolysis Bullosa, Recessive (Rashidghamat_2020, Natale_2022, Chen_2023, Kumar_2025, internal data). These data indicate that the variant is very likely to be associated with disease. To our knowledge, no experimental evidence demonstrating an impact on protein function has been reported. The following publications have been ascertained in the context of this evaluation (PMID: 31589614, 36287101, 39141798, 35979658, 31786163). ClinVar contains an entry for this variant (Variation ID: 449003). Based on the evidence outlined above, the variant was classified as pathogenic.

Labcorp Genetics (formerly Invitae), Labcorp
Classification: Pathogenic. Last evaluated: 2025-05-05. Review status: criteria provided, single submitter. Criteria: Invitae Variant Classification Sherloc (09022015). Collection method: clinical testing. Allele origin: germline.
Comment: This sequence change replaces arginine, which is basic and polar, with tryptophan, which is neutral and slightly polar, at codon 1957 of the COL7A1 protein (p.Arg1957Trp). This variant is present in population databases (rs747081862, gnomAD 0.002%). This missense change has been observed in individual(s) with autosomal recessive dystrophic epidermolysis bullosa (PMID: 31786163, 35979658). ClinVar contains an entry for this variant (Variation ID: 449003). Invitae Evidence Modeling of protein sequence and biophysical properties (such as structural, functional, and spatial information, amino acid conservation, physicochemical variation, residue mobility, and thermodynamic stability) has been performed for this missense variant. However, the output from this modeling did not meet the statistical confidence thresholds required to predict the impact of this variant on COL7A1 protein function. This variant disrupts the p.Arg1957 amino acid residue in COL7A1. Other variant(s) that disrupt this residue have been determined to be pathogenic (PMID: 16189623). This suggests that this residue is clinically significant, and that variants that disrupt this residue are likely to be disease-causing. For these reasons, this variant has been classified as Pathogenic.

Center for Research in Genodermatoses and Epidermolysis Bullosa, University of Buenos Aires
Classification: Pathogenic for Recessive dystrophic epidermolysis bullosa. Last evaluated: 2022-03-14. Review status: criteria provided, single submitter. Criteria: ACMG Guidelines, 2015. Collection method: clinical testing. Allele origin: germline. Affected: yes. Observed: 1 variant allele, 1 compound heterozygote.

GeneDx
Classification: Pathogenic. Last evaluated: 2017-07-20. Review status: criteria provided, single submitter. Criteria: GeneDx Variant Classification (06012015). Collection method: clinical testing. Allele origin: germline. Affected: yes.
Comment: The R1957W pathogenic variant in the COL7A1 gene has not been reported previously as a pathogenic variant, nor as a benign variant, to our knowledge. The R1957W variant has been observed multiple times with a pathogenic variant on the opposite allele (in trans) in unrelated patients referred for genetic testing at GeneDx. The R1957W variant is not observed at a significant frequency in large population cohorts (Lek et al., 2016; 1000 Genomes Consortium et al., 2015; Exome Variant Server). The R1957W variant is a non-conservative amino acid substitution, which is likely to impact secondary protein structure as these residues differ in polarity, charge, size and/or other properties. However, this substitution occurs at a position that is not conserved, and in silico analysis is inconsistent in its predictions as to whether or not the variant is damaging to the protein structure/function. We interpret R1957W as a pathogenic variant.

Literature cited by the submitters: PubMed 31589614 (cited by Women's Health and Genetics/Laboratory Corporation of America, LabCorp); PubMed 36287101 (cited by Women's Health and Genetics/Laboratory Corporation of America, LabCorp); PubMed 35979658 (cited by 3 submitters); PubMed 31786163 (cited by 3 submitters); PubMed 39141798 (cited by Women's Health and Genetics/Laboratory Corporation of America, LabCorp); PubMed 16189623 (cited by Labcorp Genetics (formerly Invitae), Labcorp).

NM_000094.4(COL7A1):c.5869C>T (p.Arg1957Trp)

Gene: COL7A1 (collagen type VII alpha 1 chain; minus strand). Cytogenetic location: 3p21.31.
Variant type: single nucleotide variant.
Coding change: c.5869C>T on transcript NM_000094.4 (MANE Select); coding-DNA position 5869, C replaced by T.
Protein change: p.Arg1957Trp; replaces arginine 1957 with tryptophan.
Molecular consequence: missense variant.
Genome position (GRCh38, 1-based): chr3:48,575,736, G>A on the plus strand (C>T on the coding strand, the complement: COL7A1 is on the minus strand). VCF-style: chr3-48575736-G-A. GRCh37 (hg19) VCF-style: chr3-48613169-G-A.
Other names: short protein forms R1957W.
Identifiers: ClinVar variation 449003 (VCV000449003.27), dbSNP rs747081862, ClinGen allele CA2379257.
Genomic context (GRCh38, chr3:48,575,736, plus strand): 5'-GCCGTTCGGGCACAGGCAGGAAGCTACCAGAGCTCTCATCCCAGGTCTCCACGATCTCCC[G>A]CAGGGCAGATGCCTGAGGGACAGCAAGAGGTCAGAGGAGCGGGGTGCGTCGCCGCAGCCC-3'
Protein context (NP_000085.1, residues 1947-1967): ETAGIKASAL[Arg1957Trp]EIVETWDESS